The following is an entry in ClinVar:

NM_002335.4(LRP5):c.413A>G (p.Asn138Ser)

Gene: LRP5 (LDL receptor related protein 5; plus strand). Cytogenetic location: 11q13.2.
Variant type: single nucleotide variant.
Coding change: c.413A>G on transcript NM_002335.4 (MANE Select); coding-DNA position 413, A replaced by G.
Protein change: p.Asn138Ser; replaces asparagine 138 with serine.
Molecular consequence: missense variant. On other transcripts: 5 prime UTR variant (1).
Genome position (GRCh38, 1-based): chr11:68,348,168, A>G. VCF-style: chr11-68348168-A-G. GRCh37 (hg19) VCF-style: chr11-68115636-A-G.
Other names: c.-1353A>G (NM_001291902.2); short protein forms N138S.
Identifiers: ClinVar variation 1901683 (VCV001901683.5), dbSNP rs371729974, ClinGen allele CA6148984.
Genomic context (GRCh38, chr11:68,348,168, plus strand): 5'-TGGGCAAGAAGCTGTACTGGACGGACTCAGAGACCAACCGCATCGAGGTGGCCAACCTCA[A>G]TGGCACATCCCGGAAGGTGCTCTTCTGGCAGGACCTTGACCAGCCGAGGGCCATCGCCTT-3'
Protein context (NP_002326.2, residues 128-148): ETNRIEVANL[Asn138Ser]GTSRKVLFWQ

ClinVar aggregate classification (germline): Uncertain significance (1 of 4 stars; one submission).

Allele frequency attached by ClinVar (database versions not stated): gnomAD exomes below 0.00001; ExAC 0.00002; gnomAD 0.00003; TOPMed 0.00004; ESP Exome Variant Server 0.00015.
gnomAD v4.1: 11 of 1,613,668 alleles (0.00068%); highest among the groups gnomAD compares: African/African-American, 0.012%; no homozygotes.

Submission:

Labcorp Genetics (formerly Invitae), Labcorp
Classification: Uncertain significance. Last evaluated: 2025-06-16. Review status: criteria provided, single submitter. Criteria: Invitae Variant Classification Sherloc (09022015). Collection method: clinical testing. Allele origin: germline.
Comment: This sequence change replaces asparagine, which is neutral and polar, with serine, which is neutral and polar, at codon 138 of the LRP5 protein (p.Asn138Ser). This variant is present in population databases (rs371729974, gnomAD 0.02%). This variant has not been reported in the literature in individuals affected with LRP5-related conditions. ClinVar contains an entry for this variant (Variation ID: 1901683). Invitae Evidence Modeling of protein sequence and biophysical properties (such as structural, functional, and spatial information, amino acid conservation, physicochemical variation, residue mobility, and thermodynamic stability) has been performed for this missense variant. However, the output from this modeling did not meet the statistical confidence thresholds required to predict the impact of this variant on LRP5 protein function. In summary, the available evidence is currently insufficient to determine the role of this variant in disease. Therefore, it has been classified as a Variant of Uncertain Significance.